The following is an entry in ClinVar:

ClinVar aggregate classification (germline): Uncertain significance (1 of 4 stars; one submission).

Conditions:
Fanconi anemia complementation group E (FANCE). Also called: FANCE-Related Fanconi Anemia. Identifiers: Orphanet 84, MedGen C3160739, MONDO:0010953, OMIM 600901.

Submission:

Labcorp Genetics (formerly Invitae), Labcorp
Classification: Uncertain significance for Fanconi anemia complementation group E. Last evaluated: 2021-06-09. Review status: criteria provided, single submitter. Criteria: Invitae Variant Classification Sherloc (09022015). Collection method: clinical testing. Allele origin: germline.
Comment: In summary, the available evidence is currently insufficient to determine the role of this variant in disease. Therefore, it has been classified as a Variant of Uncertain Significance. Algorithms developed to predict the effect of missense changes on protein structure and function are either unavailable or do not agree on the potential impact of this missense change (SIFT: "Deleterious"; PolyPhen-2: "Probably Damaging"; Align-GVGD: "Class C15"). This variant has not been reported in the literature in individuals with FANCE-related conditions. This variant is not present in population databases (ExAC no frequency). This sequence change replaces leucine with phenylalanine at codon 333 of the FANCE protein (p.Leu333Phe). The leucine residue is highly conserved and there is a small physicochemical difference between leucine and phenylalanine.

NM_021922.3(FANCE):c.997C>T (p.Leu333Phe)

Gene: FANCE (FA complementation group E; plus strand). Cytogenetic location: 6p21.31.
Variant type: single nucleotide variant.
Coding change: c.997C>T on transcript NM_021922.3 (MANE Select); coding-DNA position 997, C replaced by T.
Protein change: p.Leu333Phe; replaces leucine 333 with phenylalanine.
Molecular consequence: missense variant.
Genome position (GRCh38, 1-based): chr6:35,458,324, C>T. VCF-style: chr6-35458324-C-T. GRCh37 (hg19) VCF-style: chr6-35426101-C-T.
Other names: short protein forms L333F.
Identifiers: ClinVar variation 1468268 (VCV001468268.8), dbSNP rs2150894670, ClinGen allele CA363775086.